The following is an entry in ClinVar:

NM_002206.3(ITGA7):c.2794A>G (p.Met932Val)

Gene: ITGA7 (integrin subunit alpha 7; minus strand). Cytogenetic location: 12q13.2.
Variant type: single nucleotide variant.
Coding change: c.2794A>G on transcript NM_002206.3 (MANE Select); coding-DNA position 2794, A replaced by G.
Protein change: p.Met932Val; replaces methionine 932 with valine.
Molecular consequence: missense variant.
Genome position (GRCh38, 1-based): chr12:55,692,894, T>C on the plus strand (A>G on the coding strand, the complement: ITGA7 is on the minus strand). VCF-style: chr12-55692894-T-C. GRCh37 (hg19) VCF-style: chr12-56086678-T-C.
Other names: c.2806A>G, p.Met936Val (NM_001144996.2); c.2515A>G, p.Met839Val (NM_001144997.2); c.2467A>G, p.Met823Val (NM_001367993.1); c.1450A>G, p.Met484Val (NM_001367994.1); c.2776A>G, p.Met926Val (NM_001374465.1); c.2926A>G, p.Met976Val (NM_001410977.1); c.2788A>G, p.Met930Val (NM_001414029.1); c.2719A>G, p.Met907Val (NM_001414030.1); and 5 more; short protein forms M484V, M839V, M926V, M932V, M823V, M936V, M976V, M871V.
Identifiers: ClinVar variation 1479526 (VCV001479526.6), dbSNP rs779191862, ClinGen allele CA6615460.

ClinVar aggregate classification (germline): Uncertain significance. Review status: criteria provided, multiple submitters, no conflicts (2 of 4 stars). 2 submissions from 2 submitters: Uncertain significance (2). Last evaluated 2022-05-12.

Conditions:
Congenital muscular dystrophy due to integrin alpha-7 deficiency. Also called: MYOPATHY, CONGENITAL, DUE TO INTEGRIN ALPHA-7 DEFICIENCY; Congenital muscular dystrophy with integrin alpha-7 deficiency; Muscular dystrophy, congenital, due to ITGA7 deficiency. Identifiers: Orphanet 34520, MedGen C2750786, MONDO:0013177, OMIM 613204.

Allele frequency attached by ClinVar (database versions not stated): gnomAD exomes 0.00001 and 0.00002; ExAC 0.00002; gnomAD 0.00003 and 0.00004; TOPMed 0.00005.
gnomAD v4.1: 25 of 1,613,958 alleles (0.0015%); highest among the groups gnomAD compares: Admixed American, 0.005%; no homozygotes.

Submissions (2):

Labcorp Genetics (formerly Invitae), Labcorp
Classification: Uncertain significance for Congenital muscular dystrophy due to integrin alpha-7 deficiency. Last evaluated: 2022-05-12. Review status: criteria provided, single submitter. Criteria: Invitae Variant Classification Sherloc (09022015). Collection method: clinical testing. Allele origin: germline.
Comment: This sequence change replaces methionine, which is neutral and non-polar, with valine, which is neutral and non-polar, at codon 932 of the ITGA7 protein (p.Met932Val). This variant is present in population databases (rs779191862, gnomAD 0.006%). This variant has not been reported in the literature in individuals affected with ITGA7-related conditions. Algorithms developed to predict the effect of missense changes on protein structure and function (SIFT, PolyPhen-2, Align-GVGD) all suggest that this variant is likely to be tolerated. In summary, the available evidence is currently insufficient to determine the role of this variant in disease. Therefore, it has been classified as a Variant of Uncertain Significance.

Revvity Omics, Revvity
Classification: Uncertain significance for Congenital muscular dystrophy due to integrin alpha-7 deficiency. Last evaluated: 2021-03-22. Review status: criteria provided, single submitter. Criteria: ACMG Guidelines, 2015. Collection method: clinical testing. Allele origin: germline.